The following is an entry in ClinVar:

ClinVar aggregate classification (germline): Benign/Likely benign. Review status: criteria provided, multiple submitters, no conflicts (2 of 4 stars). 7 submissions from 7 submitters: Benign (4); Likely benign (3). Last evaluated 2026-02-04.

Conditions:
Neuroblastoma, susceptibility to, 3. Also called: ALK-Related Neuroblastic Tumor Susceptibility. Identifiers: Orphanet 635, MedGen C2751681, MONDO:0013083, OMIM 613014.
Hereditary cancer-predisposing syndrome. Also called: Tumor predisposition; Hereditary Cancer Syndrome; Neoplastic Syndromes, Hereditary; Hereditary neoplastic syndrome. Identifiers: Orphanet 140162, MedGen C0027672, MeSH D009386, MONDO:0015356.

Allele frequency attached by ClinVar (database versions not stated): 1000 Genomes Project 0.00020; gnomAD exomes 0.00027; 1000 Genomes Project 30x 0.00031; ExAC 0.00034; ESP Exome Variant Server 0.00062; gnomAD 0.00086 and 0.00093; TOPMed 0.00103.
gnomAD v4.1: 307 of 1,614,254 alleles (0.019%); highest among the groups gnomAD compares: African/African-American, 0.33%; no homozygotes.

Submissions (7):

Labcorp Genetics (formerly Invitae), Labcorp
Classification: Benign for Neuroblastoma, susceptibility to, 3. Last evaluated: 2026-02-04. Review status: criteria provided, single submitter. Criteria: Invitae Variant Classification Sherloc (09022015). Collection method: clinical testing. Allele origin: germline.

Blueprint Genetics
Classification: Likely benign. Last evaluated: 2023-10-03. Review status: criteria provided, single submitter. Criteria: ACMG Guidelines, 2015. Collection method: clinical testing. Allele origin: germline.

KCCC/NGS Laboratory, Kuwait Cancer Control Center
Classification: Benign for Neuroblastoma, susceptibility to, 3. Last evaluated: 2023-07-07. Review status: criteria provided, single submitter. Criteria: ACMG Guidelines, 2015. Collection method: clinical testing. Allele origin: germline. Affected: yes.

CeGaT Center for Human Genetics Tuebingen
Classification: Likely benign. Last evaluated: 2023-06-01. Review status: criteria provided, single submitter. Criteria: CeGaT Center For Human Genetics Tuebingen Variant Classification Criteria Version 2. Collection method: clinical testing. Allele origin: germline. Affected: yes. Observed: 1 variant allele.
Comment: ALK: BP4, BP7

Ambry Genetics
Classification: Likely benign for Hereditary cancer-predisposing syndrome. Last evaluated: 2022-02-12. Review status: criteria provided, single submitter. Criteria: Ambry Variant Classification Scheme 2023. Collection method: clinical testing. Allele origin: germline.

Sema4
Classification: Benign for Hereditary cancer-predisposing syndrome. Last evaluated: 2020-08-17. Review status: criteria provided, single submitter. Criteria: Sema4 Curation Guidelines. Collection method: curation. Allele origin: germline.

Illumina Laboratory Services, Illumina
Classification: Benign for Neuroblastoma, susceptibility to, 3. Last evaluated: 2018-01-12. Review status: criteria provided, single submitter. Criteria: ICSL Variant Classification Criteria 13 December 2019. Collection method: clinical testing. Allele origin: germline.
Comment: This variant was observed in the ICSL laboratory as part of a predisposition screen in an ostensibly healthy population. It had not been previously curated by ICSL or reported in the Human Gene Mutation Database (HGMD: prior to June 1st, 2018), and was therefore a candidate for classification through an automated scoring system. Utilizing variant allele frequency, disease prevalence and penetrance estimates, and inheritance mode, an automated score was calculated to assess if this variant is too frequent to cause the disease. Based on the score and internal cut-off values, a variant classified as benign is not then subjected to further curation. The score for this variant resulted in a classification of benign for this disease.

NM_004304.5(ALK):c.2613C>T (p.Asn871=)

Gene: ALK (ALK receptor tyrosine kinase; minus strand). Cytogenetic location: 2p23.2.
Variant type: single nucleotide variant.
Coding change: c.2613C>T on transcript NM_004304.5 (MANE Select); coding-DNA position 2613, C replaced by T.
Protein change: p.Asn871=; no amino-acid change (asparagine 871 retained).
Molecular consequence: synonymous variant.
Genome position (GRCh38, 1-based): chr2:29,232,323, G>A on the plus strand (C>T on the coding strand, the complement: ALK is on the minus strand). VCF-style: chr2-29232323-G-A. GRCh37 (hg19) VCF-style: chr2-29455189-G-A.
Identifiers: ClinVar variation 239809 (VCV000239809.44), dbSNP rs150557024, ClinGen allele CA1594254.